The following is an entry in ClinVar:

ClinVar aggregate classification (germline): Uncertain significance (1 of 4 stars; one submission).

Submission:

GeneDx
Classification: Uncertain significance. Last evaluated: 2019-08-15. Review status: criteria provided, single submitter. Criteria: GeneDx Variant Classification Process June 2021. Collection method: clinical testing. Allele origin: germline. Affected: yes.
Comment: Not observed in large population cohorts (Lek et al., 2016); In silico analysis, which includes protein predictors and evolutionary conservation, supports a deleterious effect; Has not been previously published as pathogenic or benign to our knowledge

NM_000702.4(ATP1A2):c.1167G>T (p.Met389Ile)

Gene: ATP1A2 (ATPase Na+/K+ transporting subunit alpha 2; plus strand). Cytogenetic location: 1q23.2.
Variant type: single nucleotide variant.
Coding change: c.1167G>T on transcript NM_000702.4 (MANE Select); coding-DNA position 1167, G replaced by T.
Protein change: p.Met389Ile; replaces methionine 389 with isoleucine.
Molecular consequence: missense variant.
Genome position (GRCh38, 1-based): chr1:160,128,801, G>T. VCF-style: chr1-160128801-G-T. GRCh37 (hg19) VCF-style: chr1-160098591-G-T.
Other names: short protein forms M389I.
Identifiers: ClinVar variation 1307877 (VCV001307877.2), dbSNP rs1651667488, ClinGen allele CA343239637.